The following is an entry in ClinVar:

NM_000540.3(RYR1):c.1996A>T (p.Met666Leu)

Gene: RYR1 (ryanodine receptor 1; plus strand). Cytogenetic location: 19q13.2.
Variant type: single nucleotide variant.
Coding change: c.1996A>T on transcript NM_000540.3 (MANE Select); coding-DNA position 1996, A replaced by T.
Protein change: p.Met666Leu; replaces methionine 666 with leucine.
Molecular consequence: missense variant.
Genome position (GRCh38, 1-based): chr19:38,458,121, A>T. VCF-style: chr19-38458121-A-T. GRCh37 (hg19) VCF-style: chr19-38948761-A-T.
Other names: c.1996A>T, p.Met666Leu (NM_001042723.2); short protein forms M666L.
Identifiers: ClinVar variation 4758469 (VCV004758469.1).

ClinVar aggregate classification (germline): Uncertain significance (1 of 4 stars; one submission).

Conditions:
Malignant hyperthermia, susceptibility to, 1 (MHS1). Also called: RYR1-Related Malignant Hyperthermia Susceptibility; Malignant hyperthermia suceptibility 1; Anesthesia related hyperthermia; Malignant hyperpyrexia; Fulminating hyperpyrexia; Pharmacogenic myopathy. Identifiers: Orphanet 423, MedGen C2930980, MONDO:0007783, OMIM 145600.

gnomAD v4.1: 9 of 1,613,996 alleles (0.00056%); highest among the groups gnomAD compares: Admixed American, 0.0017%; no homozygotes.

Submission:

Color Diagnostics, LLC DBA Color Health
Classification: Uncertain significance for Malignant hyperthermia, susceptibility to, 1. Last evaluated: 2025-07-07. Review status: criteria provided, single submitter. Criteria: ACMG Guidelines, 2015. Collection method: clinical testing. Allele origin: germline.
Comment: This missense variant replaces methionine with leucine at codon 666 of the RYR1 protein. Computational prediction suggests that this variant may not impact protein structure and function. To our knowledge, functional studies have not been reported for this variant. This variant has not been reported in individuals affected with RYR1-related disorders in the literature. This variant has been identified in 2/251248 chromosomes in the general population by the Genome Aggregation Database (gnomAD). The available evidence is insufficient to determine the role of this variant in disease conclusively. Therefore, this variant is classified as a Variant of Uncertain Significance.